The following is an entry in ClinVar:

NM_001734.5(C1S):c.76C>T (p.Pro26Ser)

Gene: C1S (complement C1s; plus strand). Cytogenetic location: 12p13.31.
Variant type: single nucleotide variant.
Coding change: c.76C>T on transcript NM_001734.5 (MANE Select); coding-DNA position 76, C replaced by T.
Protein change: p.Pro26Ser; replaces proline 26 with serine.
Molecular consequence: missense variant. On other transcripts: intron variant (1).
Genome position (GRCh38, 1-based): chr12:7,062,545, C>T. VCF-style: chr12-7062545-C-T. GRCh37 (hg19) VCF-style: chr12-7169849-C-T.
Other names: c.76C>T, p.Pro26Ser (NM_201442.4); c.-288-345C>T (NM_001346850.2); short protein forms P26S.
Identifiers: ClinVar variation 2828953 (VCV002828953.3), dbSNP rs1565619355, ClinGen allele CA383687767.

ClinVar aggregate classification (germline): Uncertain significance (1 of 4 stars; one submission).

Submission:

Labcorp Genetics (formerly Invitae), Labcorp
Classification: Uncertain significance. Last evaluated: 2023-08-08. Review status: criteria provided, single submitter. Criteria: Invitae Variant Classification Sherloc (09022015). Collection method: clinical testing. Allele origin: germline.
Comment: In summary, the available evidence is currently insufficient to determine the role of this variant in disease. Therefore, it has been classified as a Variant of Uncertain Significance. An algorithm developed to predict the effect of missense changes on protein structure and function (PolyPhen-2) suggests that this variant is likely to be disruptive. This variant has not been reported in the literature in individuals affected with C1S-related conditions. This variant is not present in population databases (gnomAD no frequency). This sequence change replaces proline, which is neutral and non-polar, with serine, which is neutral and polar, at codon 26 of the C1S protein (p.Pro26Ser).